The following is an entry in ClinVar:

NM_206933.4(USH2A):c.12892T>A (p.Tyr4298Asn)

Gene: USH2A (usherin; minus strand). Cytogenetic location: 1q41.
Variant type: single nucleotide variant.
Coding change: c.12892T>A on transcript NM_206933.4 (MANE Select); coding-DNA position 12892, T replaced by A.
Protein change: p.Tyr4298Asn; replaces tyrosine 4298 with asparagine.
Molecular consequence: missense variant.
Genome position (GRCh38, 1-based): chr1:215,675,019, A>T on the plus strand (T>A on the coding strand, the complement: USH2A is on the minus strand). VCF-style: chr1-215675019-A-T. GRCh37 (hg19) VCF-style: chr1-215848361-A-T.
Other names: short protein forms Y4298N.
Identifiers: ClinVar variation 424930 (VCV000424930.45), dbSNP rs1064797130, ClinGen allele CA16621586.

ClinVar aggregate classification (germline): Conflicting classifications of pathogenicity. Review status: criteria provided, conflicting classifications (1 of 4 stars). 3 submissions from 3 submitters: Pathogenic (1); Uncertain significance (2). Last evaluated 2026-07-31.

Conditions:
USH2A-related disorder. Also called: USH2A-related condition; USH2A-related disorders. Identifiers: MedGen CN239332.
Usher syndrome type 2. Also called: Usher Syndrome Type II. Identifiers: Orphanet 231178, MedGen C0339534, MONDO:0016484.

Submissions (3):

Myriad Genetics, Inc.
Classification: Uncertain significance for USH2A-related disorder. Last evaluated: 2026-07-31. Review status: criteria provided, single submitter. Criteria: Myriad Autosomal Dominant, Autosomal Recessive and X-Linked Classification Criteria (2023). Collection method: clinical testing. Allele origin: unknown.
Comment: NM_206933.2(USH2A):c.12892T>A(Y4298N) is a missense variant classified as a variant of uncertain significance in the context of USH2A-related disorders. Y4298N has been observed in a case with relevant disease (PMID: 32531858). Relevant functional assessments of this variant are not available in the literature. Y4298N has not been observed in referenced population frequency databases. In summary, there is insufficient evidence to classify NM_206933.2(USH2A):c.12892T>A(Y4298N) as pathogenic or benign. Please note: this variant was assessed in the context of healthy population screening.

Molecular Genetics Laboratory, Institute for Ophthalmic Research
Classification: Pathogenic for Usher syndrome type 2. Last evaluated: 2020-01-09. Review status: criteria provided, single submitter. Criteria: ACMG Guidelines, 2015. Collection method: research. Allele origin: germline. Affected: yes.

CeGaT Center for Human Genetics Tuebingen
Classification: Uncertain significance. Last evaluated: 2016-10-01. Review status: criteria provided, single submitter. Criteria: CeGaT Center For Human Genetics Tuebingen Variant Classification Criteria Version 2. Collection method: clinical testing. Allele origin: germline. Affected: yes. Observed: 1 variant allele.

Literature cited by the submitters: PubMed 32531858 (cited by Myriad Genetics, Inc.).